The following is an entry in ClinVar:

NM_004082.5(DCTN1):c.1333G>C (p.Asp445His)

Gene: DCTN1 (dynactin subunit 1; minus strand). Cytogenetic location: 2p13.1.
Variant type: single nucleotide variant.
Coding change: c.1333G>C on transcript NM_004082.5 (MANE Select); coding-DNA position 1333, G replaced by C.
Protein change: p.Asp445His; replaces aspartic acid 445 with histidine.
Molecular consequence: missense variant. On other transcripts: non-coding transcript variant (1).
Genome position (GRCh38, 1-based): chr2:74,370,024, C>G on the plus strand (G>C on the coding strand, the complement: DCTN1 is on the minus strand). VCF-style: chr2-74370024-C-G. GRCh37 (hg19) VCF-style: chr2-74597151-C-G.
Other names: c.1273G>C, p.Asp425His (NM_001135040.3); c.931G>C, p.Asp311His (NM_001135041.3, NM_023019.4); c.1222G>C, p.Asp408His (NM_001190836.2); c.1312G>C, p.Asp438His (NM_001190837.2); c.1282G>C, p.Asp428His (NM_001378991.1); c.1264G>C, p.Asp422His (NM_001378992.1); short protein forms D311H, D408H, D422H, D438H, D425H, D428H, D445H.
Identifiers: ClinVar variation 2062310 (VCV002062310.6), dbSNP rs754912845, ClinGen allele CA1722183.

ClinVar aggregate classification (germline): Uncertain significance. Review status: criteria provided, single submitter (1 of 4 stars). 2 submissions from 2 submitters: Uncertain significance (1). 1 of the submissions does not count toward it. Last evaluated 2023-12-17.

Conditions:
Perry syndrome. Also called: PARKINSONISM WITH ALVEOLAR HYPOVENTILATION AND MENTAL DEPRESSION. Identifiers: Orphanet 178509, MedGen C1868594, MONDO:0008201, OMIM 168605.
Amyotrophic lateral sclerosis type 1 (ALS1). Also called: AMYOTROPHIC LATERAL SCLEROSIS 1, FAMILIAL. Identifiers: Orphanet 803, MedGen C1862939, MONDO:0007103, OMIM 105400.
Neuronopathy, distal hereditary motor, type 7B. Also called: HMN VIIB; LOWER MOTOR NEURON DISEASE, DYNACTIN TYPE; Distal Hereditary Motor Neuronopathy Type 7B (dHMN7B); NEURONOPATHY, DISTAL HEREDITARY MOTOR, AUTOSOMAL DOMINANT 14; NEURONOPATHY, DISTAL HEREDITARY MOTOR, HARDING TYPE VIIB; NEUROPATHY, DISTAL HEREDITARY MOTOR, HARDING TYPE VIIB. Identifiers: Orphanet 139589, MedGen C1843315, MONDO:0011879, OMIM 607641.
DCTN1-related disorder. Also called: DCTN1-related condition.

Allele frequency attached by ClinVar (database versions not stated): gnomAD 0.00001; ExAC 0.00002; TOPMed 0.00002; gnomAD exomes 0.00003.
gnomAD v4.1: 21 of 1,614,106 alleles (0.0013%); highest among the groups gnomAD compares: Admixed American, 0.035%; no homozygotes.

Submissions (2):

Labcorp Genetics (formerly Invitae), Labcorp
Classification: Uncertain significance for Amyotrophic lateral sclerosis type 1; Neuronopathy, distal hereditary motor, type 7B; Perry syndrome. Last evaluated: 2023-12-17. Review status: criteria provided, single submitter. Criteria: Invitae Variant Classification Sherloc (09022015). Collection method: clinical testing. Allele origin: germline.
Comment: This sequence change replaces aspartic acid, which is acidic and polar, with histidine, which is basic and polar, at codon 445 of the DCTN1 protein (p.Asp445His). This variant is present in population databases (rs754912845, gnomAD 0.04%), and has an allele count higher than expected for a pathogenic variant. This variant has not been reported in the literature in individuals affected with DCTN1-related conditions. ClinVar contains an entry for this variant (Variation ID: 2062310). Advanced modeling of protein sequence and biophysical properties (such as structural, functional, and spatial information, amino acid conservation, physicochemical variation, residue mobility, and thermodynamic stability) performed at Invitae indicates that this missense variant is not expected to disrupt DCTN1 protein function with a negative predictive value of 80%. In summary, the available evidence is currently insufficient to determine the role of this variant in disease. Therefore, it has been classified as a Variant of Uncertain Significance.

PreventionGenetics, part of Exact Sciences
Classification: Uncertain significance for DCTN1-related condition. Last evaluated: 2024-01-12. Review status: no assertion criteria provided. Collection method: clinical testing. Allele origin: germline. Not counted in ClinVar's aggregate classification.
Comment: The DCTN1 c.1333G>C variant is predicted to result in the amino acid substitution p.Asp445His. To our knowledge, this variant has not been reported in the literature. This variant is reported in 0.040% of alleles in individuals of Latino descent in gnomAD. At this time, the clinical significance of this variant is uncertain due to the absence of conclusive functional and genetic evidence.